The following is an entry in ClinVar:

NM_006950.3(SYN1):c.2044C>T (p.Leu682Phe)

Gene: SYN1 (synapsin I; minus strand). Cytogenetic location: Xp11.3.
Variant type: single nucleotide variant.
Coding change: c.2044C>T on transcript NM_006950.3 (MANE Select); coding-DNA position 2044, C replaced by T.
Protein change: p.Leu682Phe; replaces leucine 682 with phenylalanine.
Molecular consequence: missense variant.
Genome position (GRCh38, 1-based): chrX:47,572,938, G>A on the plus strand (C>T on the coding strand, the complement: SYN1 is on the minus strand). VCF-style: chrX-47572938-G-A. GRCh37 (hg19) VCF-style: chrX-47432337-G-A.
Other names: c.2006C>T, p.Pro669Leu (NM_133499.2); short protein forms P669L, L682F.
Identifiers: ClinVar variation 1414156 (VCV001414156.6), dbSNP rs2147911481, ClinGen allele CA412820515.
Genomic context (GRCh38, chrX:47,572,938, plus strand): 5'-GGCTGGCGAAAGACTTCCTCAGGCTGCGGATGGTCTCAGCTTTCACCTCGTCCTGGCTAA[G>A]GCTGGGCCTGGGCGGGGCTGGCTCTGGAAGGTTGAAGGCATTGGTCAGAGACTGGGATTT-3'
Protein context (NP_008881.2, residues 672-692): LPEPAPPRPS[Leu682Phe]SQDEVKAETI

ClinVar aggregate classification (germline): Uncertain significance (1 of 4 stars; one submission).

Conditions:
Epilepsy, X-linked 1, with variable learning disabilities and behavior disorders. Also called: X-linked epilepsy-learning disabilities-behavior disorders syndrome. Identifiers: Orphanet 85294, MedGen C5774177, MONDO:0010339, OMIM 300491.

gnomAD v4.1: 1 of 1,211,926 alleles (0.000083%); highest among the groups gnomAD compares: Non-Finnish European, 0.00011%; no homozygotes.

Submission:

Labcorp Genetics (formerly Invitae), Labcorp
Classification: Uncertain significance for Epilepsy, X-linked 1, with variable learning disabilities and behavior disorders. Last evaluated: 2021-09-23. Review status: criteria provided, single submitter. Criteria: Invitae Variant Classification Sherloc (09022015). Collection method: clinical testing. Allele origin: germline.
Comment: In summary, the available evidence is currently insufficient to determine the role of this variant in disease. Therefore, it has been classified as a Variant of Uncertain Significance. This sequence change replaces proline with leucine at codon 669 of the SYN1 protein (p.Pro669Leu). The proline residue is moderately conserved and there is a moderate physicochemical difference between proline and leucine. This variant is not present in population databases (ExAC no frequency). This variant has not been reported in the literature in individuals affected with SYN1-related conditions. Algorithms developed to predict the effect of missense changes on protein structure and function are either unavailable or do not agree on the potential impact of this missense change (SIFT: "Deleterious"; PolyPhen-2: "Not Available"; Align-GVGD: "Class C0").